The following is an entry in ClinVar:

NM_022166.4(XYLT1):c.1730A>G (p.Asn577Ser)

Genes: XYLT1 (xylosyltransferase 1; minus strand), LOC102723692 (uncharacterized LOC102723692; plus strand). Cytogenetic location: 16p12.3.
Variant type: single nucleotide variant.
Coding change: c.1730A>G on transcript NM_022166.4 (MANE Select); coding-DNA position 1730, A replaced by G.
Protein change: p.Asn577Ser; replaces asparagine 577 with serine.
Molecular consequence: missense variant. On other transcripts: non-coding transcript variant (1).
Genome position (GRCh38, 1-based): chr16:17,138,389, T>C on the plus strand (A>G on the coding strand, the complement: XYLT1 is on the minus strand). VCF-style: chr16-17138389-T-C. GRCh37 (hg19) VCF-style: chr16-17232246-T-C.
Other names: short protein forms N577S.
Identifiers: ClinVar variation 1020300 (VCV001020300.8), dbSNP rs368060072, ClinGen allele CA7927808.

ClinVar aggregate classification (germline): Uncertain significance (1 of 4 stars; one submission).

Conditions:
Desbuquois dysplasia 1 (DBQD1). Also called: MICROMELIC DWARFISM WITH VERTEBRAL AND METAPHYSEAL ABNORMALITIES AND ADVANCED CARPOTARSAL OSSIFICATION; DESBUQUOIS DYSPLASIA 1, KIM VARIANT. Identifiers: Orphanet 1425, MedGen C4012146, MONDO:0009629, OMIM 251450.

Allele frequency attached by ClinVar (database versions not stated): gnomAD 0.00003; TOPMed 0.00003; gnomAD exomes 0.00004; ExAC 0.00005; ESP Exome Variant Server 0.00015.
gnomAD v4.1: 73 of 1,613,878 alleles (0.0045%); highest among the groups gnomAD compares: Non-Finnish European, 0.0054%; no homozygotes.

Submission:

Labcorp Genetics (formerly Invitae), Labcorp
Classification: Uncertain significance for Desbuquois dysplasia 1. Last evaluated: 2021-08-22. Review status: criteria provided, single submitter. Criteria: Invitae Variant Classification Sherloc (09022015). Collection method: clinical testing. Allele origin: germline.
Comment: In summary, the available evidence is currently insufficient to determine the role of this variant in disease. Therefore, it has been classified as a Variant of Uncertain Significance. Algorithms developed to predict the effect of sequence changes on RNA splicing suggest that this variant may create or strengthen a splice site, but this prediction has not been confirmed by published transcriptional studies. Algorithms developed to predict the effect of missense changes on protein structure and function are either unavailable or do not agree on the potential impact of this missense change (SIFT: "Tolerated"; PolyPhen-2: "Possibly Damaging"; Align-GVGD: "Class C0"). This variant has not been reported in the literature in individuals with XYLT1-related conditions. ClinVar contains an entry for this variant (Variation ID: 1020300). This variant is present in population databases (rs368060072, ExAC 0.009%). This sequence change replaces asparagine with serine at codon 577 of the XYLT1 protein (p.Asn577Ser). The asparagine residue is highly conserved and there is a small physicochemical difference between asparagine and serine.